The following is an entry in ClinVar:

ClinVar aggregate classification (germline): VUS-low (1 of 4 stars; one submission).

Conditions:
Maturity-onset diabetes of the young, type 12. Identifiers: MedGen C6012723, MONDO:0978299, OMIM 621196.

Submission:

Centro de Investigaciones en Bioquimica Clinica e Inmunologia, Consejo Nacional de Investigaciones Científicas y Técnicas
Classification: VUS-low for Maturity-onset diabetes of the young, type 12. Last evaluated: 2026-03-09. Review status: criteria provided, single submitter. Criteria: ACMG Guidelines, 2015. Collection method: research. Allele origin: germline. Inheritance: Autosomal dominant inheritance. Affected: yes. Observed: 1 variant allele.
Comment: The variant NM_000352.6(ABCC8):c.1671+10T>A is located in the intronic region of the gene and is absent from the gnomAD population database (PM2_Supporting). Currently, there is insufficient evidence to determine whether this variant affects normal RNA splicing or gene function. Therefore, the available evidence is insufficient to support a pathogenic or benign classification, and the variant is classified as a Variant of Uncertain Significance (VUS).

NM_000352.6(ABCC8):c.1671+10T>A

Gene: ABCC8 (ATP binding cassette subfamily C member 8; minus strand). Cytogenetic location: 11p15.1.
Variant type: single nucleotide variant.
Coding change: c.1671+10T>A on transcript NM_000352.6 (MANE Select); 10 bases into the intron after coding-DNA position 1671, T replaced by A.
Molecular consequence: intron variant.
Genome position (GRCh38, 1-based): chr11:17,432,194, A>T on the plus strand (T>A on the coding strand, the complement: ABCC8 is on the minus strand). VCF-style: chr11-17432194-A-T. GRCh37 (hg19) VCF-style: chr11-17453741-A-T.
Other names: c.1668+10T>A (NM_001351297.2, NM_001351296.2); c.1671+10T>A (NM_001351295.2, NM_001287174.3).
Identifiers: ClinVar variation 4845309 (VCV004845309.1).